The following is an entry in ClinVar:

ClinVar aggregate classification (germline): Benign/Likely benign. Review status: criteria provided, multiple submitters, no conflicts (2 of 4 stars). 6 submissions from 5 submitters: Benign (5); Likely benign (1). Last evaluated 2026-01-22.

Conditions:
Perrault syndrome. Also called: Gonadal dysgenesis with auditory dysfunction, autosomal recessive inheritance. Identifiers: Orphanet 2855, MedGen C0685838, MONDO:0017312.
Bifunctional peroxisomal enzyme deficiency (DBIF). Also called: D-bifunctional protein deficiency; DBP DEFICIENCY; PBFE DEFICIENCY. Identifiers: Orphanet 300, MedGen C0342870, MONDO:0009855, OMIM 261515. Disease mechanism: loss of function.
Perrault syndrome 1 (PRLTS1). Also called: GONADAL DYSGENESIS, XX TYPE, WITH DEAFNESS; OVARIAN DYSGENESIS WITH SENSORINEURAL DEAFNESS. Identifiers: Orphanet 2855, Orphanet 642945, MedGen C4551721, MONDO:0009300, OMIM 233400.

Allele frequency attached by ClinVar (database versions not stated): gnomAD exomes 0.00032 and 0.00085; ExAC 0.00101; gnomAD 0.00273; 1000 Genomes Project 30x 0.00375; TOPMed 0.00294; 1000 Genomes Project 0.00319; ESP Exome Variant Server 0.00331.
gnomAD v4.1: 879 of 1,613,486 alleles (0.054%); highest among the groups gnomAD compares: African/African-American, 0.93%; 7 homozygotes.

Submissions (6):

Labcorp Genetics (formerly Invitae), Labcorp
Classification: Benign for Perrault syndrome; Bifunctional peroxisomal enzyme deficiency. Last evaluated: 2026-01-22. Review status: criteria provided, single submitter. Criteria: Invitae Variant Classification Sherloc (09022015). Collection method: clinical testing. Allele origin: germline.

Blueprint Genetics
Classification: Likely benign. Last evaluated: 2024-10-02. Review status: criteria provided, single submitter. Criteria: ACMG Guidelines, 2015. Collection method: clinical testing. Allele origin: germline.

GeneDx
Classification: Benign. Last evaluated: 2019-05-23. Review status: criteria provided, single submitter. Criteria: GeneDx Variant Classification Process June 2021. Collection method: clinical testing. Allele origin: germline. Affected: yes.

Illumina Laboratory Services, Illumina
Classification: Benign for Bifunctional peroxisomal enzyme deficiency. Last evaluated: 2017-04-28. Review status: criteria provided, single submitter. Criteria: ICSL Variant Classification Criteria 13 December 2019. Collection method: clinical testing. Allele origin: germline.
Comment: This variant was observed as part of a predisposition screen in an ostensibly healthy population. A literature search was performed for the gene, cDNA change, and amino acid change (where applicable). No publications were found based on this search. Allele frequency data from public databases was too high to be consistent with this variant causing disease. Therefore, this variant is classified as benign.

Illumina Laboratory Services, Illumina
Classification: Benign for Perrault syndrome 1. Last evaluated: 2017-04-28. Review status: criteria provided, single submitter. Criteria: ICSL Variant Classification Criteria 13 December 2019. Collection method: clinical testing. Allele origin: germline.
Comment: the same text as in the submission from Illumina Laboratory Services, Illumina above.

Laboratory for Molecular Medicine, Mass General Brigham Personalized Medicine
Classification: Benign. Last evaluated: 2014-11-24. Review status: criteria provided, single submitter. Criteria: LMM Criteria. Collection method: clinical testing. Allele origin: germline. Observed: 2 variant alleles.
Comment: Ala378Ala in exon 14 of HSD17B4: This variant is not expected to have clinical s ignificance because it does not alter an amino acid residue and is not located w ithin the splice consensus sequence. It has been identified in 1.0% (42/4404) of African American chromosomes from a broad population by the NHLBI Exome Sequenc ing Project (dbSNP rs57972893).

NM_000414.4(HSD17B4):c.1059G>A (p.Ala353=)

Gene: HSD17B4 (hydroxysteroid 17-beta dehydrogenase 4; plus strand). Cytogenetic location: 5q23.1.
Variant type: single nucleotide variant.
Coding change: c.1059G>A on transcript NM_000414.4 (MANE Select); coding-DNA position 1059, G replaced by A.
Protein change: p.Ala353=; no amino-acid change (alanine 353 retained).
Molecular consequence: synonymous variant. On other transcripts: non-coding transcript variant (2).
Genome position (GRCh38, 1-based): chr5:119,499,403, G>A. VCF-style: chr5-119499403-G-A. GRCh37 (hg19) VCF-style: chr5-118835098-G-A.
Other names: c.1134G>A, p.Ala378= (NM_001199291.3); c.1005G>A, p.Ala335= (NM_001199292.2); c.987G>A, p.Ala329= (NM_001292027.2); c.639G>A, p.Ala213= (NM_001292028.2); c.1050G>A, p.Ala350= (NM_001374497.1); c.1059G>A, p.Ala353= (NM_001374498.1); c.732G>A, p.Ala244= (NM_001374499.1); c.618G>A, p.Ala206= (NM_001374500.1); and 1 more.
Identifiers: ClinVar variation 226664 (VCV000226664.20), dbSNP rs57972893, ClinGen allele CA3382079.